The following is an entry in ClinVar:

ClinVar aggregate classification (germline): Benign/Likely benign. Review status: criteria provided, multiple submitters, no conflicts (2 of 4 stars). 7 submissions from 7 submitters: Benign (4); Likely benign (2). 1 of the submissions does not count toward it. Last evaluated 2026-01-27.

Conditions:
SOS2-related disorder. Also called: SOS2-related condition.
Cardiovascular phenotype. Identifiers: MedGen CN230736.
Noonan syndrome 9 (NS9). Identifiers: Orphanet 648, MedGen C4225282, MONDO:0014691, OMIM 616559.

Allele frequency attached by ClinVar (database versions not stated): ExAC 0.00014; gnomAD exomes 0.00016; gnomAD 0.00057 and 0.00061; 1000 Genomes Project 0.00060; 1000 Genomes Project 30x 0.00062; TOPMed 0.00063; ESP Exome Variant Server 0.00085.
gnomAD v4.1: 152 of 1,606,890 alleles (0.0095%); highest among the groups gnomAD compares: African/African-American, 0.16%; no homozygotes.

Submissions (7):

Labcorp Genetics (formerly Invitae), Labcorp
Classification: Benign for Noonan syndrome 9. Last evaluated: 2026-01-27. Review status: criteria provided, single submitter. Criteria: Invitae Variant Classification Sherloc (09022015). Collection method: clinical testing. Allele origin: germline.

Blueprint Genetics
Classification: Likely benign. Last evaluated: 2022-08-18. Review status: criteria provided, single submitter. Criteria: ACMG Guidelines, 2015. Collection method: clinical testing. Allele origin: germline.

Ambry Genetics
Classification: Likely benign for Cardiovascular phenotype. Last evaluated: 2022-03-23. Review status: criteria provided, single submitter. Criteria: Ambry Variant Classification Scheme 2023. Collection method: clinical testing. Allele origin: germline.

Women's Health and Genetics/Laboratory Corporation of America, LabCorp
Classification: Benign. Last evaluated: 2020-07-25. Review status: criteria provided, single submitter. Criteria: LabCorp Variant Classification Summary - May 2015. Collection method: clinical testing. Allele origin: germline.

Breakthrough Genomics
Classification: Benign. Review status: criteria provided, single submitter. Criteria: ACMG Guidelines, 2015. Collection method: not provided. Allele origin: germline. Inheritance: Autosomal dominant inheritance. Affected: yes.

Genome-Nilou Lab
Classification: Benign for Noonan syndrome 9. Review status: criteria provided, single submitter. Criteria: ACMG Guidelines, 2015. Collection method: clinical testing. Allele origin: germline.

PreventionGenetics, part of Exact Sciences
Classification: Benign for SOS2-related condition. Last evaluated: 2020-04-06. Review status: no assertion criteria provided. Collection method: clinical testing. Allele origin: germline. Not counted in ClinVar's aggregate classification.
Comment: This variant is classified as benign based on ACMG/AMP sequence variant interpretation guidelines (Richards et al. 2015 PMID: 25741868, with internal and published modifications).

NM_006939.4(SOS2):c.621C>T (p.Ile207=)

Gene: SOS2 (SOS Ras/Rho guanine nucleotide exchange factor 2; minus strand). Cytogenetic location: 14q21.3.
Variant type: single nucleotide variant.
Coding change: c.621C>T on transcript NM_006939.4 (MANE Select); coding-DNA position 621, C replaced by T.
Protein change: p.Ile207=; no amino-acid change (isoleucine 207 retained).
Molecular consequence: synonymous variant.
Genome position (GRCh38, 1-based): chr14:50,188,590, G>A on the plus strand (C>T on the coding strand, the complement: SOS2 is on the minus strand). VCF-style: chr14-50188590-G-A. GRCh37 (hg19) VCF-style: chr14-50655308-G-A.
Identifiers: ClinVar variation 475761 (VCV000475761.20), dbSNP rs147109760, ClinGen allele CA7177486.